The following is an entry in ClinVar:

ClinVar aggregate classification (germline): Pathogenic/Likely pathogenic. Review status: criteria provided, multiple submitters, no conflicts (2 of 4 stars). 2 submissions from 2 submitters: Pathogenic (1); Likely pathogenic (1). Last evaluated 2025-12-04.

Conditions:
Hydrocephalus, nonsyndromic, autosomal recessive 1 (HYC1). Also called: Congenital hydrocephalus 1; Hydrocephalus, nonsyndromic, autosomal recessive. Identifiers: Orphanet 2185, MedGen C3887608, MONDO:0009360, OMIM 236600.

Submissions (2):

Myriad Genetics, Inc.
Classification: Pathogenic for Hydrocephalus, nonsyndromic, autosomal recessive 1. Last evaluated: 2025-12-04. Review status: criteria provided, single submitter. Criteria: Myriad Autosomal Dominant, Autosomal Recessive and X-Linked Classification Criteria (2023). Collection method: clinical testing. Allele origin: unknown.
Comment: NM_001080414.3(CCDC88C):c.3584_3587dupTAAA(K1196Nfs*21) is expected to be pathogenic in the context of congenital hydrocephalus, CCDC88C-related. This variant is predicted to lead to an abnormal or absent protein product due to the creation of a premature termination codon in CCDC88C, a gene where loss-of-function variants are known to be pathogenic. Please note: this variant was assessed in the context of healthy population screening.

First Genomix Gene Laboratory, Genetic Diagnostics Department
Classification: Likely pathogenic for Hydrocephalus, nonsyndromic, autosomal recessive 1. Last evaluated: 2025-06-26. Review status: criteria provided, single submitter. Criteria: ACMG Guidelines, 2015. Collection method: clinical testing. Allele origin: germline. Inheritance: Autosomal recessive inheritance. Affected: no. Observed: 1 variant allele.

NM_001080414.4(CCDC88C):c.3584_3587dup (p.Lys1196fs)

Gene: CCDC88C (coiled-coil and HOOK domain protein 88C; minus strand). Cytogenetic location: 14q32.11.
Variant type: Duplication.
Coding change: c.3584_3587dup on transcript NM_001080414.4 (MANE Select); coding-DNA positions 3584 to 3587, 4 bases duplicated (TAAA; older notation c.3584_3587dupTAAA).
Protein change: p.Lys1196fs; shifts the reading frame from lysine 1196.
Molecular consequence: frameshift variant. On other transcripts: non-coding transcript variant (2).
Genome position (GRCh38, 1-based): chr14:91,303,749-91,303,752, TTTA duplicated on the plus strand (TAAA on the coding strand, the reverse complement: CCDC88C is on the minus strand). VCF-style (leftmost placement, unchanged base first): chr14-91303748-C-CTTTA. GRCh37 (hg19) VCF-style: chr14-91770092-C-CTTTA.
Other names: c.3584_3587dupTAAA (NM_001080414.4); short protein forms K1196fs.
Identifiers: ClinVar variation 4849298 (VCV004849298.2).